The following is an entry in ClinVar:

NM_004360.5(CDH1):c.1155dup (p.Glu386Ter)

Gene: CDH1 (cadherin 1; plus strand). Cytogenetic location: 16q22.1.
Variant type: Duplication.
Coding change: c.1155dup on transcript NM_004360.5 (MANE Select); coding-DNA position 1155, one base duplicated (T; older notation c.1155dupT).
Protein change: p.Glu386Ter; replaces glutamic acid 386 with a stop codon.
Molecular consequence: nonsense. On other transcripts: 5 prime UTR variant (2), intron variant (1).
Genome position (GRCh38, 1-based): chr16:68,813,330, T duplicated. VCF-style (leftmost placement, unchanged base first): chr16-68813329-C-CT. GRCh37 (hg19) VCF-style: chr16-68847232-C-CT.
Other names: c.-461dup (NM_001317185.2); c.-665dup (NM_001317186.2); c.1137+1067dup (NM_001317184.2); short protein forms E386*.
Identifiers: ClinVar variation 2583572 (VCV002583572.2), dbSNP rs2543926349, ClinGen allele CA2582342583.

ClinVar aggregate classification (germline): Pathogenic (1 of 4 stars; one submission).

Conditions:
Hereditary diffuse gastric adenocarcinoma (HDGC). Also called: DIFFUSE GASTRIC AND LOBULAR BREAST CANCER SYNDROME. Identifiers: Orphanet 26106, MedGen C1708349, MONDO:0007648, OMIM 137215.

Submission:

Myriad Genetics, Inc.
Classification: Pathogenic for Hereditary diffuse gastric adenocarcinoma. Last evaluated: 2023-06-13. Review status: criteria provided, single submitter. Criteria: Myriad Autosomal Dominant, Autosomal Recessive and X-Linked Classification Criteria (2023). Collection method: clinical testing. Allele origin: unknown.
Comment: This variant is considered pathogenic. This variant creates a termination codon and is predicted to result in premature protein truncation.